The following is an entry in ClinVar:

NM_032043.3(BRIP1):c.130T>C (p.Leu44=)

Gene: BRIP1 (BRCA1 interacting DNA helicase 1; minus strand). Cytogenetic location: 17q23.2.
Variant type: single nucleotide variant.
Coding change: c.130T>C on transcript NM_032043.3 (MANE Select); coding-DNA position 130, T replaced by C.
Protein change: p.Leu44=; no amino-acid change (leucine 44 retained).
Molecular consequence: synonymous variant.
Genome position (GRCh38, 1-based): chr17:61,859,871, A>G on the plus strand (T>C on the coding strand, the complement: BRIP1 is on the minus strand). VCF-style: chr17-61859871-A-G. GRCh37 (hg19) VCF-style: chr17-59937232-A-G.
Identifiers: ClinVar variation 233959 (VCV000233959.18), dbSNP rs758270108, ClinGen allele CA8690989.

ClinVar aggregate classification (germline): Benign/Likely benign. Review status: criteria provided, multiple submitters, no conflicts (2 of 4 stars). 4 submissions from 4 submitters: Benign (1); Likely benign (3). Last evaluated 2025-08-21.

Conditions:
Fanconi anemia complementation group J. Also called: BRIP1-Related Fanconi Anemia. Identifiers: Orphanet 84, MedGen C1836860, MONDO:0012187, OMIM 609054.
Familial cancer of breast. Also called: hereditary breast carcinoma; BREAST CANCER, FAMILIAL; Hereditary breast cancer. Identifiers: Orphanet 227535, MedGen C0346153, MONDO:0016419, OMIM 114480. Disease mechanism: loss of function.
Hereditary cancer-predisposing syndrome. Also called: Tumor predisposition; Hereditary Cancer Syndrome; Hereditary neoplastic syndrome; Neoplastic Syndromes, Hereditary. Identifiers: Orphanet 140162, MedGen C0027672, MeSH D009386, MONDO:0015356.

Allele frequency attached by ClinVar (database versions not stated): gnomAD exomes below 0.00001 and 0.00001; ExAC 0.00001.
gnomAD v4.1: 17 of 1,613,878 alleles (0.0011%); highest among the groups gnomAD compares: Non-Finnish European, 0.0014%; no homozygotes.

Submissions (4):

Labcorp Genetics (formerly Invitae), Labcorp
Classification: Likely benign for Familial cancer of breast; Fanconi anemia complementation group J. Last evaluated: 2025-08-21. Review status: criteria provided, single submitter. Criteria: Invitae Variant Classification Sherloc (09022015). Collection method: clinical testing. Allele origin: germline.

Myriad Genetics, Inc.
Classification: Benign for Familial cancer of breast. Last evaluated: 2024-08-09. Review status: criteria provided, single submitter. Criteria: Myriad Autosomal Dominant, Autosomal Recessive and X-Linked Classification Criteria (2023). Collection method: clinical testing. Allele origin: unknown.
Comment: This variant is considered benign. This variant is a silent/synonymous amino acid change and it is not expected to impact splicing.

Color Diagnostics, LLC DBA Color Health
Classification: Likely benign for Hereditary cancer-predisposing syndrome. Last evaluated: 2016-09-01. Review status: criteria provided, single submitter. Criteria: ACMG Guidelines, 2015. Collection method: clinical testing. Allele origin: germline.

Ambry Genetics
Classification: Likely benign for Hereditary cancer-predisposing syndrome. Last evaluated: 2015-09-17. Review status: criteria provided, single submitter. Criteria: Ambry Variant Classification Scheme 2023. Collection method: clinical testing. Allele origin: germline.